The following is an entry in ClinVar:

NM_005876.5(SPEG):c.3810C>T (p.Ala1270=)

Gene: SPEG (striated muscle enriched protein kinase; plus strand). Cytogenetic location: 2q35.
Variant type: single nucleotide variant.
Coding change: c.3810C>T on transcript NM_005876.5 (MANE Select); coding-DNA position 3810, C replaced by T.
Protein change: p.Ala1270=; no amino-acid change (alanine 1270 retained).
Molecular consequence: synonymous variant.
Genome position (GRCh38, 1-based): chr2:219,471,962, C>T. VCF-style: chr2-219471962-C-T. GRCh37 (hg19) VCF-style: chr2-220336684-C-T.
Identifiers: ClinVar variation 738014 (VCV000738014.12), dbSNP rs376217306, ClinGen allele CA2126286.

ClinVar aggregate classification (germline): Likely benign. Review status: criteria provided, multiple submitters, no conflicts (2 of 4 stars). 3 submissions from 3 submitters: Likely benign (2). 1 of the submissions does not count toward it. Last evaluated 2025-12-01.

Conditions:
SPEG-related disorder. Also called: SPEG-related condition.

Allele frequency attached by ClinVar (database versions not stated): ExAC 0.00005; ESP Exome Variant Server 0.00008; gnomAD exomes 0.00008 and 0.00026; gnomAD 0.00009; TOPMed 0.00011; 1000 Genomes Project 0.00020; 1000 Genomes Project 30x 0.00031.
gnomAD v4.1: 388 of 1,613,340 alleles (0.024%); highest among the groups gnomAD compares: Non-Finnish European, 0.032%; 1 homozygote.

Submissions (3):

Labcorp Genetics (formerly Invitae), Labcorp
Classification: Likely benign. Last evaluated: 2025-12-01. Review status: criteria provided, single submitter. Criteria: Invitae Variant Classification Sherloc (09022015). Collection method: clinical testing. Allele origin: germline.

Blueprint Genetics
Classification: Likely benign. Last evaluated: 2024-01-03. Review status: criteria provided, single submitter. Criteria: ACMG Guidelines, 2015. Collection method: clinical testing. Allele origin: germline.

PreventionGenetics, part of Exact Sciences
Classification: Likely benign for SPEG-related condition. Last evaluated: 2023-02-10. Review status: no assertion criteria provided. Collection method: clinical testing. Allele origin: germline. Not counted in ClinVar's aggregate classification.
Comment: This variant is classified as likely benign based on ACMG/AMP sequence variant interpretation guidelines (Richards et al. 2015 PMID: 25741868, with internal and published modifications).